The following is an entry in ClinVar:

ClinVar aggregate classification (germline): Uncertain significance (1 of 4 stars; one submission).

Conditions:
Lymphoproliferative syndrome 1 (LPFS1). Identifiers: Orphanet 238505, Orphanet 538963, MedGen C3552634, MONDO:0013081, OMIM 613011.

Submission:

Labcorp Genetics (formerly Invitae), Labcorp
Classification: Uncertain significance for Lymphoproliferative syndrome 1. Last evaluated: 2019-04-01. Review status: criteria provided, single submitter. Criteria: Invitae Variant Classification Sherloc (09022015). Collection method: clinical testing. Allele origin: germline.
Comment: This sequence change replaces phenylalanine with leucine at codon 506 of the ITK protein (p.Phe506Leu). The phenylalanine residue is moderately conserved and there is a small physicochemical difference between phenylalanine and leucine. This variant is not present in population databases (ExAC no frequency). This variant has not been reported in the literature in individuals with ITK-related conditions. Algorithms developed to predict the effect of missense changes on protein structure and function (SIFT, PolyPhen-2, Align-GVGD) all suggest that this variant is likely to be tolerated, but these predictions have not been confirmed by published functional studies and their clinical significance is uncertain. In summary, the available evidence is currently insufficient to determine the role of this variant in disease. Therefore, it has been classified as a Variant of Uncertain Significance.

NM_005546.4(ITK):c.1518C>G (p.Phe506Leu)

Gene: ITK (IL2 inducible T cell kinase; plus strand). Cytogenetic location: 5q33.3.
Variant type: single nucleotide variant.
Coding change: c.1518C>G on transcript NM_005546.4 (MANE Select); coding-DNA position 1518, C replaced by G.
Protein change: p.Phe506Leu; replaces phenylalanine 506 with leucine.
Molecular consequence: missense variant.
Genome position (GRCh38, 1-based): chr5:157,245,884, C>G. VCF-style: chr5-157245884-C-G. GRCh37 (hg19) VCF-style: chr5-156672894-C-G.
Other names: short protein forms F506L.
Identifiers: ClinVar variation 840402 (VCV000840402.1), dbSNP rs755630347, ClinGen allele CA361962289.